The following is an entry in ClinVar:

NM_001243133.2(NLRP3):c.1126A>G (p.Arg376Gly)

Gene: NLRP3 (NLR family pyrin domain containing 3; plus strand). Cytogenetic location: 1q44.
Variant type: single nucleotide variant.
Coding change: c.1126A>G on transcript NM_001243133.2 (MANE Select); coding-DNA position 1126, A replaced by G.
Protein change: p.Arg376Gly; replaces arginine 376 with glycine.
Molecular consequence: missense variant.
Genome position (GRCh38, 1-based): chr1:247,424,575, A>G. VCF-style: chr1-247424575-A-G. GRCh37 (hg19) VCF-style: chr1-247587877-A-G.
Other names: c.1126A>G, p.Arg376Gly (NM_001079821.3, NM_001127461.3, NM_001127462.3 and 1 more transcripts); c.1132A>G, p.Arg378Gly (NM_004895.5); short protein forms R376G, R378G.
Identifiers: ClinVar variation 3605053 (VCV003605053.2).

ClinVar aggregate classification (germline): Uncertain significance (1 of 4 stars; one submission).

Conditions:
Cryopyrin associated periodic syndrome (CAPS). Identifiers: Orphanet 208650, MedGen C2316212, MONDO:0016168.

Submission:

Labcorp Genetics (formerly Invitae), Labcorp
Classification: Uncertain significance for Cryopyrin associated periodic syndrome. Last evaluated: 2024-06-29. Review status: criteria provided, single submitter. Criteria: Invitae Variant Classification Sherloc (09022015). Collection method: clinical testing. Allele origin: germline.
Comment: This sequence change replaces arginine, which is basic and polar, with glycine, which is neutral and non-polar, at codon 378 of the NLRP3 protein (p.Arg378Gly). This variant is not present in population databases (gnomAD no frequency). This variant has not been reported in the literature in individuals affected with NLRP3-related conditions. Advanced modeling of protein sequence and biophysical properties (such as structural, functional, and spatial information, amino acid conservation, physicochemical variation, residue mobility, and thermodynamic stability) performed at Invitae indicates that this missense variant is expected to disrupt NLRP3 protein function with a positive predictive value of 80%. In summary, the available evidence is currently insufficient to determine the role of this variant in disease. Therefore, it has been classified as a Variant of Uncertain Significance.